The following is an entry in ClinVar:

ClinVar aggregate classification (germline): Likely pathogenic (1 of 4 stars; one submission).

Allele frequency attached by ClinVar (database versions not stated): gnomAD exomes below 0.00001; TOPMed below 0.00001; ExAC 0.00001.
gnomAD v4.1: 1 of 1,613,936 alleles (0.000062%); highest among the groups gnomAD compares: Non-Finnish European, 0.000085%; no homozygotes.

Submissions (2):

Labcorp Genetics (formerly Invitae), Labcorp
Classification: Likely pathogenic. Last evaluated: 2025-07-09. Review status: criteria provided, single submitter. Criteria: Invitae Variant Classification Sherloc (09022015). Collection method: clinical testing. Allele origin: germline.
Comment: This sequence change affects an acceptor splice site in intron 4 of the MPV17 gene. It is expected to disrupt RNA splicing. Variants that disrupt the donor or acceptor splice site typically lead to a loss of protein function (PMID: 16199547), and loss-of-function variants in MPV17 are known to be pathogenic (PMID: 23714749). This variant is present in population databases (rs748500676, gnomAD 0.0009%). This variant has not been reported in the literature in individuals affected with MPV17-related conditions. ClinVar contains an entry for this variant (Variation ID: 2726169). Algorithms developed to predict the effect of sequence changes on RNA splicing suggest that this variant may disrupt the consensus splice site. In summary, the currently available evidence indicates that the variant is pathogenic, but additional data are needed to prove that conclusively. Therefore, this variant has been classified as Likely Pathogenic.

Dr. Peter K. Rogan Lab, Western University
No classification provided (evidence only). Condition: Uterine corpus endometrial carcinoma. Review status: no classification provided. Collection method: in vitro. Allele origin: not applicable. Functional consequence: skipped exon, retained intron. Not counted in ClinVar's aggregate classification.

Literature cited by the submitters: PubMed 16199547 (cited by Labcorp Genetics (formerly Invitae), Labcorp); PubMed 23714749 (cited by Labcorp Genetics (formerly Invitae), Labcorp).

NM_002437.5(MPV17):c.280-2A>G

Gene: MPV17 (mitochondrial inner membrane protein MPV17; minus strand). Cytogenetic location: 2p23.3.
Variant type: single nucleotide variant.
Coding change: c.280-2A>G on transcript NM_002437.5 (MANE Select); the canonical splice acceptor site of the intron before coding-DNA position 280, A replaced by G.
Molecular consequence: splice acceptor variant.
Genome position (GRCh38, 1-based): chr2:27,312,591, T>C on the plus strand (A>G on the coding strand, the complement: MPV17 is on the minus strand). VCF-style: chr2-27312591-T-C. GRCh37 (hg19) VCF-style: chr2-27535458-T-C.
Identifiers: ClinVar variation 2726169 (VCV002726169.4), dbSNP rs748500676, ClinGen allele CA1575596.
Genomic context (GRCh38, chr2:27,312,591, plus strand): 5'-CCATTAAGTGCCCCTACCAGTGGGAGAAAGCAGCCTAGAAAACACGGGGCAAAGCCCCCC[T>C]AGGGAAGAGAAATTAAAGTCCTATGAGTGCTGAAATCCCCACCTACCCCCAACACAGCTC-3'